The following is an entry in ClinVar:

NM_000179.3(MSH6):c.3381C>A (p.Ala1127=)

Gene: MSH6 (mutS homolog 6; plus strand). Cytogenetic location: 2p16.3.
Variant type: single nucleotide variant.
Coding change: c.3381C>A on transcript NM_000179.3 (MANE Select); coding-DNA position 3381, C replaced by A.
Protein change: p.Ala1127=; no amino-acid change (alanine 1127 retained).
Molecular consequence: synonymous variant.
Genome position (GRCh38, 1-based): chr2:47,803,628, C>A. VCF-style: chr2-47803628-C-A. GRCh37 (hg19) VCF-style: chr2-48030767-C-A.
Other names: c.2991C>A, p.Ala997= (NM_001281492.2); c.2475C>A, p.Ala825= (NM_001281493.2, NM_001281494.2).
Identifiers: ClinVar variation 1156473 (VCV001156473.12), dbSNP rs786202480, ClinGen allele CA346758824.
Genomic context (GRCh38, chr2:47,803,628, plus strand): 5'-TTTTATTCCTAATGACATTCTAATAGGCTGTGAGGAAGAGGAGCAGGAAAATGGCAAAGC[C>A]TATTGTGTGCTTGTTACTGGACCAAATATGGGGGGCAAGTCTACGCTTATGAGACAGGTA-3'
Protein context (NP_000170.1, residues 1117-1137): CEEEEQENGK[Ala1127=]YCVLVTGPNM

ClinVar aggregate classification (germline): Benign/Likely benign. Review status: criteria provided, multiple submitters, no conflicts (2 of 4 stars). 3 submissions from 3 submitters: Benign (1); Likely benign (2). Last evaluated 2025-06-20.

Conditions:
Hereditary nonpolyposis colorectal neoplasms. Identifiers: MedGen C0009405, MeSH D003123.
Hereditary cancer-predisposing syndrome. Also called: Hereditary neoplastic syndrome; Hereditary Cancer Syndrome; Tumor predisposition; Neoplastic Syndromes, Hereditary. Identifiers: Orphanet 140162, MedGen C0027672, MeSH D009386, MONDO:0015356.
Lynch syndrome 5 (LYNCH5). Also called: Hereditary non-polyposis colorectal cancer, type 5; Colorectal cancer, hereditary nonpolyposis, type 5. Identifiers: Orphanet 144, MedGen C1833477, MONDO:0013710, OMIM 614350. Disease mechanism: loss of function.

Allele frequency attached by ClinVar (database versions not stated): gnomAD exomes below 0.00001; TOPMed below 0.00001; gnomAD 0.00001.
gnomAD v4.1: 1 of 1,614,136 alleles (0.000062%); highest among the groups gnomAD compares: African/African-American, 0.0013%; no homozygotes.

Submissions (3):

Labcorp Genetics (formerly Invitae), Labcorp
Classification: Likely benign for Hereditary nonpolyposis colorectal neoplasms. Last evaluated: 2025-06-20. Review status: criteria provided, single submitter. Criteria: Invitae Variant Classification Sherloc (09022015). Collection method: clinical testing. Allele origin: germline.

Myriad Genetics, Inc.
Classification: Benign for Lynch syndrome 5. Last evaluated: 2025-01-06. Review status: criteria provided, single submitter. Criteria: Myriad Autosomal Dominant, Autosomal Recessive and X-Linked Classification Criteria (2023). Collection method: clinical testing. Allele origin: unknown.
Comment: This variant is considered benign. This variant is a silent/synonymous amino acid change and it is not expected to impact splicing.

Ambry Genetics
Classification: Likely benign for Hereditary cancer-predisposing syndrome. Last evaluated: 2017-11-14. Review status: criteria provided, single submitter. Criteria: Ambry Variant Classification Scheme 2023. Collection method: clinical testing. Allele origin: germline.